The following is an entry in ClinVar:

ClinVar aggregate classification (germline): Likely pathogenic (1 of 4 stars; one submission).

Conditions:
Dilated cardiomyopathy 1G (CMD1G). Identifiers: Orphanet 154, MedGen C1858763, MONDO:0011400, OMIM 604145.
Autosomal recessive limb-girdle muscular dystrophy type 2J (LGMDR10). Also called: Limb-girdle muscular dystrophy, type 2J; MUSCULAR DYSTROPHY, LIMB-GIRDLE, AUTOSOMAL RECESSIVE 10. Identifiers: Orphanet 140922, MedGen C1837342, MONDO:0012127, OMIM 608807.

Submission:

Labcorp Genetics (formerly Invitae), Labcorp
Classification: Likely pathogenic for Dilated cardiomyopathy 1G; Autosomal recessive limb-girdle muscular dystrophy type 2J. Last evaluated: 2023-07-07. Review status: criteria provided, single submitter. Criteria: Invitae Variant Classification Sherloc (09022015). Collection method: clinical testing. Allele origin: germline.
Comment: This variant is located in the A band of TTN (PMID: 25589632). Truncating variants in this region are significantly overrepresented in patients affected with dilated cardiomyopathy (PMID: 25589632). Truncating variants in this region have also been reported in individuals affected with autosomal recessive centronuclear myopathy (PMID: 23975875). This sequence change creates a premature translational stop signal (p.Gly17944Valfs*11) in the TTN gene. While this is not anticipated to result in nonsense mediated decay, it is expected to create a truncated TTN protein. This variant is not present in population databases (gnomAD no frequency). This variant has not been reported in the literature in individuals affected with TTN-related conditions. In summary, the currently available evidence indicates that the variant is pathogenic, but additional data are needed to prove that conclusively. Therefore, this variant has been classified as Likely Pathogenic.

Literature cited by the submitters: PubMed 25589632; PubMed 23975875.

NM_001267550.2(TTN):c.53831del (p.Gly17944fs)

Genes: TTN-AS1 (TTN antisense RNA 1; plus strand), TTN (titin; minus strand). Cytogenetic location: 2q31.2.
Variant type: Deletion.
Coding change: c.53831del on transcript NM_001267550.2 (MANE Select); coding-DNA position 53831, one base deleted (G; older notation c.53831delG).
Protein change: p.Gly17944fs; shifts the reading frame from glycine 17944.
Molecular consequence: frameshift variant.
Genome position (GRCh38, 1-based): chr2:178,605,464, C deleted on the plus strand (G on the coding strand, the reverse complement: TTN is on the minus strand); the first of 2 consecutive C bases (chr2:178,605,464-178,605,465); deleting either gives the same sequence. VCF-style (leftmost placement, unchanged base first): chr2-178605463-AC-A. GRCh37 (hg19) VCF-style: chr2-179470190-AC-A.
Other names: c.48908del, p.Gly16303fs (NM_001256850.1); c.26636del, p.Gly8879fs (NM_003319.4); c.46127del, p.Gly15376fs (NM_133378.4); c.27011del, p.Gly9004fs (NM_133432.3); c.27212del, p.Gly9071fs (NM_133437.4); short protein forms G8879fs, G17944fs, G9071fs, G15376fs, G16303fs, G9004fs.
Identifiers: ClinVar variation 2946022 (VCV002946022.3), dbSNP rs2470193069, ClinGen allele CA2740096114.